The following is an entry in ClinVar:

NM_020166.5(MCCC1):c.1928A>G (p.Gln643Arg)

Gene: MCCC1 (methylcrotonyl-CoA carboxylase subunit 1; minus strand). Cytogenetic location: 3q27.1.
Variant type: single nucleotide variant.
Coding change: c.1928A>G on transcript NM_020166.5 (MANE Select); coding-DNA position 1928, A replaced by G.
Protein change: p.Gln643Arg; replaces glutamine 643 with arginine.
Molecular consequence: missense variant. On other transcripts: non-coding transcript variant (2).
Genome position (GRCh38, 1-based): chr3:183,020,179, T>C on the plus strand (A>G on the coding strand, the complement: MCCC1 is on the minus strand). VCF-style: chr3-183020179-T-C. GRCh37 (hg19) VCF-style: chr3-182737967-T-C.
Other names: c.1577A>G, p.Gln526Arg (NM_001293273.2); c.1601A>G, p.Gln534Arg (NM_001363880.1); short protein forms Q526R, Q643R, Q534R.
Identifiers: ClinVar variation 1367260 (VCV001367260.8), dbSNP rs755699519, ClinGen allele CA2718613.

ClinVar aggregate classification (germline): Uncertain significance (1 of 4 stars; one submission).

Conditions:
3-methylcrotonyl-CoA carboxylase 1 deficiency (MCC1D). Also called: MCCD TYPE 1; METHYLCROTONYLGLYCINURIA TYPE I; MCC 1 deficiency; 3 Alpha methylcrotonylglycinuria 1. Identifiers: Orphanet 6, MedGen CN028786, MONDO:0008861, OMIM 210200.

Allele frequency attached by ClinVar (database versions not stated): gnomAD exomes below 0.00001; ExAC 0.00001; gnomAD 0.00001; TOPMed 0.00001.
gnomAD v4.1: 1 of 1,614,060 alleles (0.000062%); highest among the groups gnomAD compares: African/African-American, 0.0013%; no homozygotes.

Submission:

Labcorp Genetics (formerly Invitae), Labcorp
Classification: Uncertain significance for 3-methylcrotonyl-CoA carboxylase 1 deficiency. Last evaluated: 2021-09-20. Review status: criteria provided, single submitter. Criteria: Invitae Variant Classification Sherloc (09022015). Collection method: clinical testing. Allele origin: germline.
Comment: This sequence change replaces glutamine with arginine at codon 643 of the MCCC1 protein (p.Gln643Arg). The glutamine residue is weakly conserved and there is a small physicochemical difference between glutamine and arginine. This variant is present in population databases (rs755699519, ExAC 0.01%). This variant has not been reported in the literature in individuals affected with MCCC1-related conditions. Algorithms developed to predict the effect of missense changes on protein structure and function (SIFT, PolyPhen-2, Align-GVGD) all suggest that this variant is likely to be tolerated. In summary, the available evidence is currently insufficient to determine the role of this variant in disease. Therefore, it has been classified as a Variant of Uncertain Significance.